The following is an entry in ClinVar:

ClinVar aggregate classification (germline): Conflicting classifications of pathogenicity. Review status: criteria provided, conflicting classifications (1 of 4 stars). 5 submissions from 5 submitters: Uncertain significance (2); Benign (1); Likely benign (1). 1 of the submissions does not count toward it. Last evaluated 2025-09-10.

Conditions:
COL6A1-related disorder. Also called: COL6A1-related condition.
Bethlem myopathy 1A. Also called: Bethlem myopathy 1; MYOPATHY, BENIGN CONGENITAL, WITH CONTRACTURES; Bethlem Muscular Dystrophy. Identifiers: Orphanet 610, MedGen CN029274, MONDO:0024530, OMIM 158810.

Allele frequency attached by ClinVar (database versions not stated): gnomAD exomes 0.00002; ExAC 0.00003; TOPMed 0.00005; gnomAD 0.00009 and 0.00010; 1000 Genomes Project 30x 0.00031.
gnomAD v4.1: 52 of 1,612,622 alleles (0.0032%); highest among the groups gnomAD compares: Middle Eastern, 0.017%; no homozygotes.

Submissions (6):

Labcorp Genetics (formerly Invitae), Labcorp
Classification: Benign for Bethlem myopathy 1A. Last evaluated: 2025-09-10. Review status: criteria provided, single submitter. Criteria: Invitae Variant Classification Sherloc (09022015). Collection method: clinical testing. Allele origin: germline.

CeGaT Center for Human Genetics Tuebingen
Classification: Likely benign. Last evaluated: 2025-07-01. Review status: criteria provided, single submitter. Criteria: CeGaT Center For Human Genetics Tuebingen Variant Classification Criteria Version 2. Collection method: clinical testing. Allele origin: germline. Affected: yes. Observed: 3 variant alleles.
Comment: COL6A1: BP4, BP7

GeneDx
Classification: Uncertain significance. Last evaluated: 2019-12-05. Review status: criteria provided, single submitter. Criteria: GeneDx Variant Classification Process June 2021. Collection method: clinical testing. Allele origin: germline. Affected: yes.
Comment: In silico analysis, which includes splice predictors and evolutionary conservation, suggests this variant may impact gene splicing. In the absence of RNA/functional studies, the actual effect of this sequence change is unknown.; Has not been previously published as pathogenic or benign to our knowledge

Eurofins Ntd Llc (ga)
Classification: Uncertain significance. Last evaluated: 2015-10-26. Review status: criteria provided, single submitter. Criteria: EGL Classification Definitions 2015. Collection method: clinical testing. Allele origin: germline. Observed: 1 variant allele, 1 heterozygote.

PreventionGenetics, part of Exact Sciences
Classification: Uncertain significance for COL6A1-related condition. Last evaluated: 2023-10-18. Review status: no assertion criteria provided. Collection method: clinical testing. Allele origin: germline. Not counted in ClinVar's aggregate classification.
Comment: The COL6A1 c.1437C>T variant is not predicted to result in an amino acid change (p.=). This variant is predicted to possibly create a donor site within the exon and may result in aberrant splicing (Alamut Visual Plus v1.6.1). To our knowledge, this variant has not been reported in the literature. This variant is reported in 0.012% of alleles in individuals of African descent in gnomAD. Although we suspect that this variant may be benign, at this time, the clinical significance of this variant is uncertain due to the absence of conclusive functional and genetic evidence.

Dr. Peter K. Rogan Lab, Western University
No classification provided (evidence only). Condition: Uterine corpus endometrial carcinoma. Review status: no classification provided. Collection method: in vitro. Allele origin: not applicable. Functional consequence: retained intron. Not counted in ClinVar's aggregate classification.

NM_001848.3(COL6A1):c.1437C>T (p.Gly479=)

Gene: COL6A1 (collagen type VI alpha 1 chain; plus strand). Cytogenetic location: 21q22.3.
Variant type: single nucleotide variant.
Coding change: c.1437C>T on transcript NM_001848.3 (MANE Select); coding-DNA position 1437, C replaced by T.
Protein change: p.Gly479=; no amino-acid change (glycine 479 retained).
Molecular consequence: synonymous variant.
Genome position (GRCh38, 1-based): chr21:45,997,459, C>T. VCF-style: chr21-45997459-C-T. GRCh37 (hg19) VCF-style: chr21-47417373-C-T.
Identifiers: ClinVar variation 283999 (VCV000283999.42), dbSNP rs762625409, ClinGen allele CA10070301.
Genomic context (GRCh38, chr21:45,997,459, plus strand): 5'-TGCCATATCCATCTCTCTACAGGGCGAGGCTGGCCCTATCGGACCTAAAGGCTACCGAGG[C>T]GATGAGGGTCCCCCAGGGTCCGAGGTGAGTCCCACTCCCCACCCACACCCGCCCACCCAG-3'
Protein context (NP_001839.2, residues 469-489): AGPIGPKGYR[Gly479=]DEGPPGSEGA